The following is an entry in ClinVar:

NM_001148.6(ANK2):c.2734C>T (p.His912Tyr)

Gene: ANK2 (ankyrin 2; plus strand). Cytogenetic location: 4q26.
Variant type: single nucleotide variant.
Coding change: c.2734C>T on transcript NM_001148.6 (MANE Select); coding-DNA position 2734, C replaced by T.
Protein change: p.His912Tyr; replaces histidine 912 with tyrosine.
Molecular consequence: missense variant.
Genome position (GRCh38, 1-based): chr4:113,317,747, C>T. VCF-style: chr4-113317747-C-T. GRCh37 (hg19) VCF-style: chr4-114238903-C-T.
Other names: c.2671C>T, p.His891Tyr (NM_001127493.3, NM_001354243.2, NM_001354255.2 and 3 more transcripts); c.2746C>T, p.His916Tyr (NM_001354225.2); c.2734C>T, p.His912Tyr (NM_001354228.2, NM_001354232.2, NM_001354258.2 and 1 more transcripts); c.2776C>T, p.His926Tyr (NM_001354230.2, NM_001354231.2, NM_001354237.2 and 1 more transcripts); c.2731C>T, p.His911Tyr (NM_001354235.2, NM_001354236.2, NM_001354246.2 and 1 more transcripts); c.2668C>T, p.His890Tyr (NM_001354239.2, NM_001354244.2, NM_001354252.2 and 3 more transcripts); c.2779C>T, p.His927Tyr (NM_001354240.2, NM_001354241.2, NM_001386144.1); c.2635C>T, p.His879Tyr (NM_001354245.2, NM_001354268.2); and 18 more; short protein forms H121Y, H784Y, H817Y, H841Y, H845Y, H850Y, H858Y, H878Y.
Identifiers: ClinVar variation 1022931 (VCV001022931.7), dbSNP rs757479095, ClinGen allele CA3050653.

ClinVar aggregate classification (germline): Uncertain significance. Review status: criteria provided, multiple submitters, no conflicts (2 of 4 stars). 3 submissions from 3 submitters: Uncertain significance (3). Last evaluated 2024-10-08.

Conditions:
Long QT syndrome (LQTS). Identifiers: MedGen C0023976, MeSH D008133, MONDO:0002442. Disease mechanism: loss of function. Inheritance: Various modes of inheritance.
Cardiovascular phenotype. Identifiers: MedGen CN230736.

Allele frequency attached by ClinVar (database versions not stated): gnomAD exomes below 0.00001 and 0.00001; ExAC 0.00001.
gnomAD v4.1: 2 of 1,614,142 alleles (0.00012%); highest among the groups gnomAD compares: East Asian, 0.0045%; no homozygotes.

Submissions (3):

Ambry Genetics
Classification: Uncertain significance for Cardiovascular phenotype. Last evaluated: 2024-10-08. Review status: criteria provided, single submitter. Criteria: Ambry Variant Classification Scheme 2023. Collection method: clinical testing. Allele origin: germline.
Comment: The p.H912Y variant (also known as c.2734C>T), located in coding exon 25 of the ANK2 gene, results from a C to T substitution at nucleotide position 2734. The histidine at codon 912 is replaced by tyrosine, an amino acid with similar properties. This amino acid position is conserved. In addition, the in silico prediction for this alteration is inconclusive. Based on the available evidence, the clinical significance of this variant remains unclear.

GeneDx
Classification: Uncertain significance. Last evaluated: 2023-08-03. Review status: criteria provided, single submitter. Criteria: GeneDx Variant Classification Process June 2021. Collection method: clinical testing. Allele origin: germline. Affected: yes.
Comment: Not observed at significant frequency in large population cohorts (gnomAD); In silico analysis supports that this missense variant has a deleterious effect on protein structure/function; Has not been previously published as pathogenic or benign to our knowledge

Labcorp Genetics (formerly Invitae), Labcorp
Classification: Uncertain significance for Long QT syndrome. Last evaluated: 2020-10-27. Review status: criteria provided, single submitter. Criteria: Invitae Variant Classification Sherloc (09022015). Collection method: clinical testing. Allele origin: germline.
Comment: Algorithms developed to predict the effect of missense changes on protein structure and function are either unavailable or do not agree on the potential impact of this missense change (SIFT: "Tolerated"; PolyPhen-2: "Possibly Damaging"; Align-GVGD: "Class C0"). This variant has not been reported in the literature in individuals with ANK2-related conditions. This variant is present in population databases (rs757479095, ExAC 0.01%). This sequence change replaces histidine with tyrosine at codon 912 of the ANK2 protein (p.His912Tyr). The histidine residue is moderately conserved and there is a moderate physicochemical difference between histidine and tyrosine. In summary, the available evidence is currently insufficient to determine the role of this variant in disease. Therefore, it has been classified as a Variant of Uncertain Significance.